The following is an entry in ClinVar:

NM_001389683.1(GOLGA3):c.1497G>A (p.Ala499=)

Gene: GOLGA3 (golgin A3; minus strand). Cytogenetic location: 12q24.33.
Variant type: single nucleotide variant.
Coding change: c.1497G>A on transcript NM_001389683.1 (MANE Select); coding-DNA position 1497, G replaced by A.
Protein change: p.Ala499=; no amino-acid change (alanine 499 retained).
Molecular consequence: synonymous variant.
Genome position (GRCh38, 1-based): chr12:132,804,816, C>T on the plus strand (G>A on the coding strand, the complement: GOLGA3 is on the minus strand). VCF-style: chr12-132804816-C-T. GRCh37 (hg19) VCF-style: chr12-133381402-C-T.
Other names: c.1497G>A, p.Ala499= (NM_001172557.2, NM_001389684.1, NM_001389685.1 and 1 more transcripts); c.1377G>A, p.Ala459= (NM_001389686.1, NM_001389687.1, NM_001389688.1); c.1224G>A, p.Ala408= (NM_001389689.1).
Identifiers: ClinVar variation 2643660 (VCV002643660.24), dbSNP rs761871420, ClinGen allele CA6897270.

ClinVar aggregate classification (germline): Likely benign (1 of 4 stars; one submission).

Allele frequency attached by ClinVar (database versions not stated): ExAC 0.00007; gnomAD exomes 0.00007; gnomAD 0.00010; TOPMed 0.00034.
gnomAD v4.1: 129 of 1,614,106 alleles (0.008%); highest among the groups gnomAD compares: Admixed American, 0.048%; no homozygotes.

Submission:

CeGaT Center for Human Genetics Tuebingen
Classification: Likely benign. Last evaluated: 2022-05-01. Review status: criteria provided, single submitter. Criteria: CeGaT Center For Human Genetics Tuebingen Variant Classification Criteria Version 2. Collection method: clinical testing. Allele origin: germline. Affected: yes. Observed: 1 variant allele.
Comment: GOLGA3: BP4, BP7